The following is an entry in ClinVar:

NM_001851.6(COL9A1):c.1342-14dup

Gene: COL9A1 (collagen type IX alpha 1 chain; minus strand). Cytogenetic location: 6q13.
Variant type: Duplication.
Coding change: c.1342-14dup on transcript NM_001851.6 (MANE Select); 14 bases into the intron before coding-DNA position 1342, one base duplicated (T; older notation c.1342-14dupT).
Molecular consequence: intron variant.
Genome position (GRCh38, 1-based): chr6:70,263,304, A duplicated on the plus strand (T on the coding strand, the reverse complement: COL9A1 is on the minus strand); the first of 8 consecutive A bases (chr6:70,263,304-70,263,311); duplicating any one gives the same sequence. VCF-style (leftmost placement, unchanged base first): chr6-70263303-G-GA. GRCh37 (hg19) VCF-style: chr6-70973006-G-GA.
Other names: c.613-14dup (NM_001377290.1, NM_078485.4, NM_001377289.1); c.1342-7dupT (NM_001851.4).
Identifiers: ClinVar variation 1164419 (VCV001164419.34), dbSNP rs537445397, ClinGen allele CA3882260.

ClinVar aggregate classification (germline): Benign/Likely benign. Review status: criteria provided, multiple submitters, no conflicts (2 of 4 stars). 4 submissions from 4 submitters: Benign (1); Likely benign (2). 1 of the submissions does not count toward it. Last evaluated 2026-01-18.

Conditions:
COL9A1-related disorder. Also called: COL9A1-related condition; COL9A1-related disorders.

Submissions (4):

Labcorp Genetics (formerly Invitae), Labcorp
Classification: Benign. Last evaluated: 2026-01-18. Review status: criteria provided, single submitter. Criteria: Invitae Variant Classification Sherloc (09022015). Collection method: clinical testing. Allele origin: germline.

Blueprint Genetics
Classification: Likely benign. Last evaluated: 2024-09-13. Review status: criteria provided, single submitter. Criteria: ACMG Guidelines, 2015. Collection method: clinical testing. Allele origin: germline.

CeGaT Center for Human Genetics Tuebingen
Classification: Likely benign. Last evaluated: 2023-08-01. Review status: criteria provided, single submitter. Criteria: CeGaT Center For Human Genetics Tuebingen Variant Classification Criteria Version 2. Collection method: clinical testing. Allele origin: germline. Affected: yes. Observed: 1 variant allele.
Comment: COL9A1: BP4

PreventionGenetics, part of Exact Sciences
Classification: Likely benign for COL9A1-related condition. Last evaluated: 2023-01-20. Review status: no assertion criteria provided. Collection method: clinical testing. Allele origin: germline. Not counted in ClinVar's aggregate classification.
Comment: This variant is classified as likely benign based on ACMG/AMP sequence variant interpretation guidelines (Richards et al. 2015 PMID: 25741868, with internal and published modifications).